The following is an entry in ClinVar:

NM_001854.4(COL11A1):c.2536C>A (p.Pro846Thr)

Gene: COL11A1 (collagen type XI alpha 1 chain; minus strand). Cytogenetic location: 1p21.1.
Variant type: single nucleotide variant.
Coding change: c.2536C>A on transcript NM_001854.4 (MANE Select); coding-DNA position 2536, C replaced by A.
Protein change: p.Pro846Thr; replaces proline 846 with threonine.
Molecular consequence: missense variant. On other transcripts: non-coding transcript variant (1).
Genome position (GRCh38, 1-based): chr1:102,984,158, G>T on the plus strand (C>A on the coding strand, the complement: COL11A1 is on the minus strand). VCF-style: chr1-102984158-G-T. GRCh37 (hg19) VCF-style: chr1-103449714-G-T.
Other names: c.2536C>A (NM_001854.3); c.2188C>A, p.Pro730Thr (NM_001168249.1, NM_080630.4); c.2419C>A, p.Pro807Thr (NM_001190709.2); c.2572C>A, p.Pro858Thr (NM_080629.3); short protein forms P730T, P807T, P846T, P858T.
Identifiers: ClinVar variation 1912015 (VCV001912015.7), dbSNP rs750390186, ClinGen allele CA974408.

ClinVar aggregate classification (germline): Conflicting classifications of pathogenicity. Review status: criteria provided, conflicting classifications (1 of 4 stars). 3 submissions from 3 submitters: Uncertain significance (2); Likely benign (1). Last evaluated 2026-01-14.

Conditions:
Inborn genetic diseases. Identifiers: MedGen C0950123, MeSH D030342.

Allele frequency attached by ClinVar (database versions not stated): gnomAD exomes below 0.00001; ExAC 0.00001; gnomAD 0.00001; TOPMed 0.00001.

Submissions (3):

Ambry Genetics
Classification: Uncertain significance for Inborn genetic diseases. Last evaluated: 2026-01-14. Review status: criteria provided, single submitter. Criteria: Ambry Variant Classification Scheme 2023. Collection method: clinical testing. Allele origin: germline.
Comment: The c.2536C>A (p.P846T) alteration is located in exon 31 (coding exon 31) of the COL11A1 gene. This alteration results from a C to A substitution at nucleotide position 2536, causing the proline (P) at amino acid position 846 to be replaced by a threonine (T). Based on data from gnomAD, the A allele has an overall frequency of <0.001% (1/249572) total alleles studied. The highest observed frequency was 0.001% (1/112792) of European (non-Finnish) alleles. Based on insufficient or conflicting evidence, the clinical significance of this alteration remains unclear.

Women's Health and Genetics/Laboratory Corporation of America, LabCorp
Classification: Uncertain significance. Last evaluated: 2024-12-05. Review status: criteria provided, single submitter. Criteria: LabCorp Variant Classification Summary - May 2015. Collection method: clinical testing. Allele origin: germline.
Comment: Variant summary: COL11A1 c.2536C>A (p.Pro846Thr) results in a non-conservative amino acid change in the encoded protein sequence. Five of five in-silico tools predict a damaging effect of the variant on protein function. The variant allele was found at a frequency of 4e-06 in 249572 control chromosomes. The available data on variant occurrences in the general population are insufficient to allow any conclusion about variant significance. To our knowledge, no occurrence of c.2536C>A in individuals affected with Stickler Syndrome and no experimental evidence demonstrating its impact on protein function have been reported. ClinVar contains an entry for this variant (Variation ID: 1912015). Based on the evidence outlined above, the variant was classified as uncertain significance.

Labcorp Genetics (formerly Invitae), Labcorp
Classification: Likely benign. Last evaluated: 2024-10-22. Review status: criteria provided, single submitter. Criteria: Invitae Variant Classification Sherloc (09022015). Collection method: clinical testing. Allele origin: germline.